The following is an entry in ClinVar:

NM_001378414.1(HDAC4):c.802_803del (p.Leu268fs)

Gene: HDAC4 (histone deacetylase 4; minus strand). Cytogenetic location: 2q37.3.
Variant type: Deletion.
Coding change: c.802_803del on transcript NM_001378414.1 (MANE Select); coding-DNA positions 802 to 803, 2 bases deleted (CT; older notation c.802_803delCT).
Protein change: p.Leu268fs; shifts the reading frame from leucine 268.
Molecular consequence: frameshift variant.
Genome position (GRCh38, 1-based): chr2:239,144,645-239,144,646, AG deleted on the plus strand (CT on the coding strand, the reverse complement: HDAC4 is on the minus strand). VCF-style (leftmost placement, unchanged base first): chr2-239144644-CAG-C. GRCh37 (hg19) VCF-style: chr2-240066340-CAG-C.
Other names: c.802_803del, p.Leu268fs (NM_001378415.1, NM_001378416.1, NM_001378417.1 and 1 more transcripts); short protein forms L268fs.
Identifiers: ClinVar variation 1695010 (VCV001695010.31), dbSNP rs2152917774, ClinGen allele CA2580067962.
Genomic context (GRCh38, chr2:239,144,644, plus strand): 5'-TGTGACATCCAACGGACGCTTTTTTAGAGCAGTGACCACTGGCCCGTCTTTCCTGCGTAA[CAG>C]GGGGCTGCTCCGTCTTTCGGCCACTTTCTGCTTTAGCCTGGACCGTAATTTCAGATTCGG-3'

ClinVar aggregate classification (germline): Uncertain significance (1 of 4 stars; one submission).

Submission:

CeGaT Center for Human Genetics Tuebingen
Classification: Uncertain significance. Last evaluated: 2022-06-01. Review status: criteria provided, single submitter. Criteria: CeGaT Center For Human Genetics Tuebingen Variant Classification Criteria Version 2. Collection method: clinical testing. Allele origin: germline. Affected: yes. Observed: 1 variant allele.
Comment: HDAC4: PM2, PVS1:Moderate